The following is an entry in ClinVar:

NM_001183.6(ATP6AP1):c.1272C>T (p.Pro424=)

Gene: ATP6AP1 (ATPase H+ transporting accessory protein 1; plus strand). Cytogenetic location: Xq28.
Variant type: single nucleotide variant.
Coding change: c.1272C>T on transcript NM_001183.6 (MANE Select); coding-DNA position 1272, C replaced by T.
Protein change: p.Pro424=; no amino-acid change (proline 424 retained).
Molecular consequence: synonymous variant.
Genome position (GRCh38, 1-based): chrX:154,435,750, C>T. VCF-style: chrX-154435750-C-T. GRCh37 (hg19) VCF-style: chrX-153664096-C-T.
Identifiers: ClinVar variation 2661810 (VCV002661810.24), dbSNP rs782713260, ClinGen allele CA10562801.
Genomic context (GRCh38, chrX:154,435,750, plus strand): 5'-TTTCAACGTAATGGGGGAGCAGTTCTCCTACGCCAGCGACTGTGCCAGCTTCTTCTCCCC[C>T]GGCATCTGGATGGGGCTGCTCACCTCCCTGTTCATGCTCTTCATCTTCACCTATGGCCTG-3'
Protein context (NP_001174.2, residues 414-434): YASDCASFFS[Pro424=]GIWMGLLTSL

ClinVar aggregate classification (germline): Likely benign (1 of 4 stars; one submission).

Allele frequency attached by ClinVar (database versions not stated): gnomAD exomes 0.00001; ExAC 0.00002.
gnomAD v4.1: 9 of 1,210,143 alleles (0.00074%); highest among the groups gnomAD compares: South Asian, 0.0035%; no homozygotes.

Submission:

CeGaT Center for Human Genetics Tuebingen
Classification: Likely benign. Last evaluated: 2023-03-01. Review status: criteria provided, single submitter. Criteria: CeGaT Center For Human Genetics Tuebingen Variant Classification Criteria Version 2. Collection method: clinical testing. Allele origin: germline. Affected: yes. Observed: 1 variant allele.
Comment: ATP6AP1: BP4, BP7